The following is an entry in ClinVar:

NM_001174150.2(ARL13B):c.1006C>T (p.Arg336Trp)

Gene: ARL13B (ARF like GTPase 13B; plus strand). Cytogenetic location: 3q11.2.
Variant type: single nucleotide variant.
Coding change: c.1006C>T on transcript NM_001174150.2 (MANE Select); coding-DNA position 1006, C replaced by T.
Protein change: p.Arg336Trp; replaces arginine 336 with tryptophan.
Molecular consequence: missense variant. On other transcripts: non-coding transcript variant (2).
Genome position (GRCh38, 1-based): chr3:94,043,222, C>T. VCF-style: chr3-94043222-C-T. GRCh37 (hg19) VCF-style: chr3-93762066-C-T.
Other names: c.697C>T, p.Arg233Trp (NM_001174151.2); c.961C>T, p.Arg321Trp (NM_001321328.2); c.685C>T, p.Arg229Trp (NM_144996.4); c.1006C>T, p.Arg336Trp (NM_182896.3); short protein forms R336W, R233W, R321W, R229W.
Identifiers: ClinVar variation 346910 (VCV000346910.9), dbSNP rs774235804, ClinGen allele CA2504222.

ClinVar aggregate classification (germline): Uncertain significance. Review status: criteria provided, multiple submitters, no conflicts (2 of 4 stars). 4 submissions from 4 submitters: Uncertain significance (4). Last evaluated 2024-12-02.

Conditions:
Inborn genetic diseases. Identifiers: MedGen C0950123, MeSH D030342.
Joubert syndrome 8 (JBTS8). Identifiers: Orphanet 475, MedGen C2676771, MONDO:0012855, OMIM 612291.

Allele frequency attached by ClinVar (database versions not stated): gnomAD 0.00001; ExAC 0.00002; gnomAD exomes 0.00002; TOPMed 0.00002.

Submissions (4):

Labcorp Genetics (formerly Invitae), Labcorp
Classification: Uncertain significance for Joubert syndrome 8. Last evaluated: 2024-12-02. Review status: criteria provided, single submitter. Criteria: Invitae Variant Classification Sherloc (09022015). Collection method: clinical testing. Allele origin: germline.
Comment: This sequence change replaces arginine, which is basic and polar, with tryptophan, which is neutral and slightly polar, at codon 336 of the ARL13B protein (p.Arg336Trp). This variant is present in population databases (rs774235804, gnomAD 0.004%). This variant has not been reported in the literature in individuals affected with ARL13B-related conditions. ClinVar contains an entry for this variant (Variation ID: 346910). Invitae Evidence Modeling of protein sequence and biophysical properties (such as structural, functional, and spatial information, amino acid conservation, physicochemical variation, residue mobility, and thermodynamic stability) indicates that this missense variant is not expected to disrupt ARL13B protein function with a negative predictive value of 80%. In summary, the available evidence is currently insufficient to determine the role of this variant in disease. Therefore, it has been classified as a Variant of Uncertain Significance.

Fulgent Genetics
Classification: Uncertain significance for Joubert syndrome 8. Last evaluated: 2024-05-14. Review status: criteria provided, single submitter. Criteria: ACMG Guidelines, 2015. Collection method: clinical testing. Allele origin: germline.

Ambry Genetics
Classification: Uncertain significance for Inborn genetic diseases. Last evaluated: 2024-04-30. Review status: criteria provided, single submitter. Criteria: Ambry Variant Classification Scheme 2023. Collection method: clinical testing. Allele origin: germline.

Blueprint Genetics
Classification: Uncertain significance. Last evaluated: 2024-02-16. Review status: criteria provided, single submitter. Criteria: ACMG Guidelines, 2015. Collection method: clinical testing. Allele origin: germline.